The following is an entry in ClinVar:

NM_016042.4(EXOSC3):c.3G>T (p.Met1Ile)

Gene: EXOSC3 (exosome component 3; minus strand). Cytogenetic location: 9p13.2.
Variant type: single nucleotide variant.
Coding change: c.3G>T on transcript NM_016042.4 (MANE Select); coding-DNA position 3, G replaced by T.
Protein change: p.Met1Ile; changes the start codon (methionine 1).
Molecular consequence: missense variant, initiator codon variant.
Genome position (GRCh38, 1-based): chr9:37,785,042, C>A on the plus strand (G>T on the coding strand, the complement: EXOSC3 is on the minus strand). VCF-style: chr9-37785042-C-A. GRCh37 (hg19) VCF-style: chr9-37785039-C-A.
Other names: c.3G>T, p.Met1Ile (NM_001002269.2); short protein forms M1I.
Identifiers: ClinVar variation 2962578 (VCV002962578.4), dbSNP rs1198691735, ClinGen allele CA373476228.

ClinVar aggregate classification (germline): Pathogenic (1 of 4 stars; one submission).

Conditions:
Pontocerebellar hypoplasia type 1B. Also called: EXOSC3 Pontocerebellar Hypoplasia. Identifiers: Orphanet 2254, MedGen C3553449, MONDO:0013853, OMIM 614678.

Submission:

Labcorp Genetics (formerly Invitae), Labcorp
Classification: Pathogenic for Pontocerebellar hypoplasia type 1B. Last evaluated: 2023-10-20. Review status: criteria provided, single submitter. Criteria: Invitae Variant Classification Sherloc (09022015). Collection method: clinical testing. Allele origin: germline.
Comment: This sequence change affects the initiator methionine of the EXOSC3 mRNA. The next in-frame methionine is located at codon 174. This variant is not present in population databases (gnomAD no frequency). Disruption of the initiator codon has been observed in individual(s) with pontocerebellar hypoplasia (PMID: 23284067, 31980526). This variant disrupts a region of the EXOSC3 protein in which other variant(s) (p.Asp132Ala) have been determined to be pathogenic (PMID: 22544365, 23975261, 24524299, 25533962). This suggests that this is a clinically significant region of the protein, and that variants that disrupt it are likely to be disease-causing. For these reasons, this variant has been classified as Pathogenic.

Literature cited by the submitters: PubMed 23284067; PubMed 31980526; PubMed 22544365; PubMed 23975261; PubMed 24524299; PubMed 25533962.